The following is an entry in ClinVar:

NM_006922.4(SCN3A):c.5656G>A (p.Val1886Ile)

Gene: SCN3A (sodium voltage-gated channel alpha subunit 3; minus strand). Cytogenetic location: 2q24.3.
Variant type: single nucleotide variant.
Coding change: c.5656G>A on transcript NM_006922.4 (MANE Select); coding-DNA position 5656, G replaced by A.
Protein change: p.Val1886Ile; replaces valine 1886 with isoleucine.
Molecular consequence: missense variant.
Genome position (GRCh38, 1-based): chr2:165,090,497, C>T on the plus strand (G>A on the coding strand, the complement: SCN3A is on the minus strand). VCF-style: chr2-165090497-C-T. GRCh37 (hg19) VCF-style: chr2-165947007-C-T.
Other names: c.5509G>A, p.Val1837Ile (NM_001081676.2, NM_001081677.2); short protein forms V1886I, V1837I.
Identifiers: ClinVar variation 240716 (VCV000240716.10), dbSNP rs878854906, ClinGen allele CA10581819.

ClinVar aggregate classification (germline): Uncertain significance (1 of 4 stars; one submission).

Submission:

Labcorp Genetics (formerly Invitae), Labcorp
Classification: Uncertain significance. Last evaluated: 2022-09-08. Review status: criteria provided, single submitter. Criteria: Invitae Variant Classification Sherloc (09022015). Collection method: clinical testing. Allele origin: germline.
Comment: Algorithms developed to predict the effect of missense changes on protein structure and function are either unavailable or do not agree on the potential impact of this missense change (SIFT: "Tolerated"; PolyPhen-2: "Possibly Damaging"; Align-GVGD: "Class C0"). ClinVar contains an entry for this variant (Variation ID: 240716). This variant has not been reported in the literature in individuals affected with SCN3A-related conditions. This variant is not present in population databases (gnomAD no frequency). This sequence change replaces valine, which is neutral and non-polar, with isoleucine, which is neutral and non-polar, at codon 1886 of the SCN3A protein (p.Val1886Ile). In summary, the available evidence is currently insufficient to determine the role of this variant in disease. Therefore, it has been classified as a Variant of Uncertain Significance.